The following is an entry in ClinVar:

ClinVar aggregate classification (germline): Uncertain significance (1 of 4 stars; one submission).

Conditions:
Inborn genetic diseases. Identifiers: MedGen C0950123, MeSH D030342.

Submission:

Ambry Genetics
Classification: Uncertain significance for Inborn genetic diseases. Last evaluated: 2024-10-19. Review status: criteria provided, single submitter. Criteria: Ambry Variant Classification Scheme 2023. Collection method: clinical testing. Allele origin: germline.
Comment: The p.K810Q variant (also known as c.2428A>C), located in coding exon 19 of the BUB1B gene, results from an A to C substitution at nucleotide position 2428. The lysine at codon 810 is replaced by glutamine, an amino acid with similar properties. This amino acid position is conserved. In addition, this alteration is predicted to be tolerated by in silico analysis. Based on the available evidence, the clinical significance of this variant remains unclear.

NM_001211.6(BUB1B):c.2428A>C (p.Lys810Gln)

Gene: BUB1B (BUB1 mitotic checkpoint serine/threonine kinase B; plus strand). Cytogenetic location: 15q15.1.
Variant type: single nucleotide variant.
Coding change: c.2428A>C on transcript NM_001211.6 (MANE Select); coding-DNA position 2428, A replaced by C.
Protein change: p.Lys810Gln; replaces lysine 810 with glutamine.
Molecular consequence: missense variant.
Genome position (GRCh38, 1-based): chr15:40,212,541, A>C. VCF-style: chr15-40212541-A-C. GRCh37 (hg19) VCF-style: chr15-40504742-A-C.
Other names: short protein forms K810Q.
Identifiers: ClinVar variation 3483132 (VCV003483132.1).